The following is an entry in ClinVar:

ClinVar aggregate classification (germline): Pathogenic (1 of 4 stars; one submission).

Conditions:
ALG1-congenital disorder of glycosylation. Also called: CONGENITAL DISORDER OF GLYCOSYLATION, TYPE Ik; CDG Ik; ALG1-CDG. Identifiers: Orphanet 79327, MedGen C2931005, MONDO:0012052, OMIM 608540.

Submission:

Labcorp Genetics (formerly Invitae), Labcorp
Classification: Pathogenic for ALG1-congenital disorder of glycosylation. Last evaluated: 2023-11-05. Review status: criteria provided, single submitter. Criteria: Invitae Variant Classification Sherloc (09022015). Collection method: clinical testing. Allele origin: unknown.
Comment: This variant is a gross deletion of the genomic region encompassing exon(s) 1-3 of the ALG1 gene, which includes the initiator codon. This deletion extends beyond the assayed region for this gene and therefore may encompass additional genes. It is expected to result in an absent or disrupted protein product. Loss-of-function variants in ALG1 are known to be pathogenic (PMID: 20679665, 23806237). This variant has not been reported in the literature in individuals affected with ALG1-related conditions. For these reasons, this variant has been classified as Pathogenic.

Literature cited by the submitters: PubMed 20679665; PubMed 23806237.

NC_000016.9:g.(?_5121851)_(5123277_?)del

Gene: ALG1 (ALG1 chitobiosyldiphosphodolichol beta-mannosyltransferase; plus strand). Cytogenetic location: 16p13.3.
Variant type: Deletion.
Identifiers: ClinVar variation 3243496 (VCV003243496.1).